The following is an entry in ClinVar:

NM_000245.4(MET):c.547A>G (p.Lys183Glu)

Gene: MET (MET proto-oncogene, receptor tyrosine kinase; plus strand). Cytogenetic location: 7q31.2.
Variant type: single nucleotide variant.
Coding change: c.547A>G on transcript NM_000245.4 (MANE Select); coding-DNA position 547, A replaced by G.
Protein change: p.Lys183Glu; replaces lysine 183 with glutamic acid.
Molecular consequence: missense variant. On other transcripts: intron variant (1).
Genome position (GRCh38, 1-based): chr7:116,699,631, A>G. VCF-style: chr7-116699631-A-G. GRCh37 (hg19) VCF-style: chr7-116339685-A-G.
Other names: c.547A>G, p.Lys183Glu (NM_001127500.3, NM_001324401.3); c.-91+27054A>G (NM_001324402.2); short protein forms K183E.
Identifiers: ClinVar variation 3294334 (VCV003294334.1).

ClinVar aggregate classification (germline): Uncertain significance (1 of 4 stars; one submission).

Conditions:
Hereditary cancer-predisposing syndrome. Also called: Tumor predisposition; Hereditary Cancer Syndrome; Hereditary neoplastic syndrome; Neoplastic Syndromes, Hereditary. Identifiers: Orphanet 140162, MedGen C0027672, MeSH D009386, MONDO:0015356.

Submission:

Ambry Genetics
Classification: Uncertain significance for Hereditary cancer-predisposing syndrome. Last evaluated: 2024-04-11. Review status: criteria provided, single submitter. Criteria: Ambry Variant Classification Scheme 2023. Collection method: clinical testing. Allele origin: germline.
Comment: The p.K183E variant (also known as c.547A>G), located in coding exon 1 of the MET gene, results from an A to G substitution at nucleotide position 547. The lysine at codon 183 is replaced by glutamic acid, an amino acid with similar properties. This amino acid position is conserved. In addition, this alteration is predicted to be tolerated by in silico analysis. Based on the available evidence, the clinical significance of this variant remains unclear.